The following is an entry in ClinVar:

NM_024782.3(NHEJ1):c.641T>C (p.Leu214Pro)

Gene: NHEJ1 (non-homologous end joining factor 1; minus strand). Cytogenetic location: 2q35.
Variant type: single nucleotide variant.
Coding change: c.641T>C on transcript NM_024782.3 (MANE Select); coding-DNA position 641, T replaced by C.
Protein change: p.Leu214Pro; replaces leucine 214 with proline.
Molecular consequence: missense variant. On other transcripts: non-coding transcript variant (1).
Genome position (GRCh38, 1-based): chr2:219,078,154, A>G on the plus strand (T>C on the coding strand, the complement: NHEJ1 is on the minus strand). VCF-style: chr2-219078154-A-G. GRCh37 (hg19) VCF-style: chr2-219942876-A-G.
Other names: c.641T>C, p.Leu214Pro (NM_001377498.1, NM_001377499.1); short protein forms L214P.
Identifiers: ClinVar variation 1508504 (VCV001508504.6), dbSNP rs2106320129, ClinGen allele CA350642589.

ClinVar aggregate classification (germline): Uncertain significance (1 of 4 stars; one submission).

Conditions:
Cernunnos-XLF deficiency (IMD124). Also called: Severe combined immunodeficiency with sensitivity to ionizing radiation due to NHEJ1 deficiency; SCID, autosomal recessive, T cell-negative, B cell-negative, NK cell-positive, and sensitivity to ionizing radiation due to NHEJ1 deficiency; IMMUNODEFICIENCY 124, SEVERE COMBINED; SCID, AUTOSOMAL RECESSIVE, T CELL-NEGATIVE, B CELL-NEGATIVE, NK CELL-POSITIVE, WITH MICROCEPHALY, GROWTH RETARDATION, AND SENSITIVITY TO IONIZING RADIATION; NHEJ1 SYNDROME. Identifiers: Orphanet 169079, MedGen C1969799, MONDO:0012650, OMIM 611291.

Submission:

Labcorp Genetics (formerly Invitae), Labcorp
Classification: Uncertain significance for Cernunnos-XLF deficiency. Last evaluated: 2022-01-28. Review status: criteria provided, single submitter. Criteria: Invitae Variant Classification Sherloc (09022015). Collection method: clinical testing. Allele origin: germline.
Comment: This variant has not been reported in the literature in individuals affected with NHEJ1-related conditions. In summary, the available evidence is currently insufficient to determine the role of this variant in disease. Therefore, it has been classified as a Variant of Uncertain Significance. Algorithms developed to predict the effect of missense changes on protein structure and function are either unavailable or do not agree on the potential impact of this missense change (SIFT: "Deleterious"; PolyPhen-2: "Probably Damaging"; Align-GVGD: "Class C0"). This variant is not present in population databases (gnomAD no frequency). This sequence change replaces leucine, which is neutral and non-polar, with proline, which is neutral and non-polar, at codon 214 of the NHEJ1 protein (p.Leu214Pro).